The following is an entry in ClinVar:

ClinVar aggregate classification (germline): Pathogenic. Review status: reviewed by expert panel (3 of 4 stars). 3 submissions from 3 submitters: Pathogenic (1). 2 of the submissions do not count toward it. Last evaluated 2016-10-18.

Conditions:
Breast-ovarian cancer, familial, susceptibility to, 1 (BROVCA1). Also called: BRCA1 Hereditary Breast and Ovarian Cancer; OVARIAN CANCER, SUSCEPTIBILITY TO. Identifiers: Orphanet 145, MedGen C2676676, MONDO:0011450, OMIM 604370. Disease mechanism: loss of function.

Submissions (3):

Evidence-based Network for the Interpretation of Germline Mutant Alleles (ENIGMA)
Classification: Pathogenic for Breast-ovarian cancer, familial, susceptibility to, 1. Last evaluated: 2016-10-18. Review status: reviewed by expert panel. Criteria: ENIGMA BRCA1/2 Classification Criteria (2015). Collection method: curation. Allele origin: germline.
Comment: Variant allele predicted to encode a truncated non-functional protein.

Consortium of Investigators of Modifiers of BRCA1/2 (CIMBA), c/o University of Cambridge
Classification: Pathogenic for Breast-ovarian cancer, familial, susceptibility to, 1. Last evaluated: 2015-10-02. Review status: criteria provided, single submitter. Criteria: CIMBA Mutation Classification guidelines May 2016. Collection method: clinical testing. Allele origin: germline. Not counted in ClinVar's aggregate classification.

Breast Cancer Information Core (BIC) (BRCA1)
Classification: Pathogenic for Breast-ovarian cancer, familial 1. Last evaluated: 2013-02-20. Review status: no assertion criteria provided. Collection method: clinical testing. Allele origin: somatic. Affected: yes. Observed: 1 variant allele. Not counted in ClinVar's aggregate classification.

NM_007294.4(BRCA1):c.4696_4697insA (p.Ser1566fs)

Gene: BRCA1 (BRCA1 DNA repair associated; minus strand). Cytogenetic location: 17q21.31.
Variant type: Insertion.
Coding change: c.4696_4697insA on transcript NM_007294.4 (MANE Select); coding-DNA positions 4696 to 4697, A inserted.
Protein change: p.Ser1566fs; shifts the reading frame from serine 1566.
Molecular consequence: frameshift variant. On other transcripts: non-coding transcript variant (1).
Genome position: GRCh38 VCF-style: chr17-43071217-G-GT. GRCh37 (hg19) VCF-style: chr17-41223234-G-GT.
Other names: 4815insA; c.4483_4484insA, p.Ser1495Tyrfs (NM_001407571.1, NM_001407894.1, NM_001407895.1 and 12 more transcripts); c.4762_4763insA, p.Ser1588Tyrfs (NM_001407581.1, NM_001407582.1); c.4759_4760insA, p.Ser1587Tyrfs (NM_001407583.1, NM_001407585.1, NM_001407587.1); c.4756_4757insA, p.Ser1586Tyrfs (NM_001407590.1, NM_001407591.1); c.4696_4697insA, p.Ser1566Tyrfs (NM_001407593.1, NM_001407594.1, NM_001407596.1 and 8 more transcripts); c.4693_4694insA, p.Ser1565Tyrfs (NM_001407610.1, NM_001407611.1, NM_001407612.1 and 17 more transcripts); c.4690_4691insA, p.Ser1564Tyrfs (NM_001407627.1, NM_001407628.1, NM_001407629.1 and 14 more transcripts); and 74 more; short protein forms S1519fs, S1566fs, S1587fs, S462fs.
Identifiers: ClinVar variation 125728 (VCV000125728.6), dbSNP rs483353095, ClinGen allele CA002981.